The following is an entry in ClinVar:

NM_001349798.2(FBXW7):c.158C>T (p.Thr53Ile)

Gene: FBXW7 (F-box and WD repeat domain containing 7; minus strand). Cytogenetic location: 4q31.3.
Variant type: single nucleotide variant.
Coding change: c.158C>T on transcript NM_001349798.2 (MANE Select); coding-DNA position 158, C replaced by T.
Protein change: p.Thr53Ile; replaces threonine 53 with isoleucine.
Molecular consequence: missense variant.
Genome position (GRCh38, 1-based): chr4:152,411,646, G>A on the plus strand (C>T on the coding strand, the complement: FBXW7 is on the minus strand). VCF-style: chr4-152411646-G-A. GRCh37 (hg19) VCF-style: chr4-153332798-G-A.
Other names: c.158C>T, p.Thr53Ile (NM_001257069.1, NM_033632.3); short protein forms T53I.
Identifiers: ClinVar variation 3715371 (VCV003715371.2).
Genomic context (GRCh38, chr4:152,411,646, plus strand): 5'-TGGGAATCATTTTGGCCTCCAGGTCTAGGTTCTACTCCAACAACTTCACCATTCCTTGCA[G>A]TGTGCTCCTCCTCTTGTTGTCTGAGTTGCTGTTGCTGTTCCTCCTCTACCACACGATTCA-3'
Protein context (NP_001336727.1, residues 43-63): QQLRQQEEEH[Thr53Ile]ARNGEVVGVE

ClinVar aggregate classification (germline): Uncertain significance (1 of 4 stars; one submission).

gnomAD v4.1: 4 of 1,613,940 alleles (0.00025%); highest among the groups gnomAD compares: Middle Eastern, 0.049%; no homozygotes.

Submission:

Labcorp Genetics (formerly Invitae), Labcorp
Classification: Uncertain significance. Last evaluated: 2024-07-03. Review status: criteria provided, single submitter. Criteria: Invitae Variant Classification Sherloc (09022015). Collection method: clinical testing. Allele origin: germline.
Comment: This sequence change replaces threonine, which is neutral and polar, with isoleucine, which is neutral and non-polar, at codon 53 of the FBXW7 protein (p.Thr53Ile). This variant is present in population databases (rs764549603, gnomAD 0.0009%). This variant has not been reported in the literature in individuals affected with FBXW7-related conditions. Algorithms developed to predict the effect of missense changes on protein structure and function output the following: SIFT: "Not Available"; PolyPhen-2: "Not Available"; Align-GVGD: "Not Available". The isoleucine amino acid residue is found in multiple mammalian species, which suggests that this missense change does not adversely affect protein function. In summary, the available evidence is currently insufficient to determine the role of this variant in disease. Therefore, it has been classified as a Variant of Uncertain Significance.